The following is an entry in ClinVar:

NM_152415.3(VPS37A):c.643-179C>G

Gene: VPS37A (VPS37A subunit of ESCRT-I; plus strand). Cytogenetic location: 8p22.
Variant type: single nucleotide variant.
Coding change: c.643-179C>G on transcript NM_152415.3 (MANE Select); 179 bases into the intron before coding-DNA position 643, C replaced by G.
Molecular consequence: intron variant.
Genome position (GRCh38, 1-based): chr8:17,276,218, C>G. VCF-style: chr8-17276218-C-G. GRCh37 (hg19) VCF-style: chr8-17133727-C-G.
Other names: c.373-179C>G (NM_001363172.2, NM_001363168.1, NM_001363170.1 and 2 more transcripts); c.643-179C>G (NM_001363173.2, NM_001363167.1); c.568-179C>G (NM_001145152.2).
Identifiers: ClinVar variation 672326 (VCV000672326.2), dbSNP rs3750251, ClinGen allele CA12890682.

ClinVar aggregate classification (germline): Benign. Review status: criteria provided, multiple submitters, no conflicts (2 of 4 stars). 2 submissions from 2 submitters: Benign (2). Last evaluated 2018-06-16.

Allele frequency attached by ClinVar (database versions not stated): gnomAD 0.07242; TOPMed 0.07330; 1000 Genomes Project 0.09585; 1000 Genomes Project 30x 0.09119.
gnomAD v4.1: 12,012 of 151,936 alleles (7.9%); highest among the groups gnomAD compares: South Asian, 20%; 647 homozygotes.

Submissions (2):

GeneDx
Classification: Benign. Last evaluated: 2018-06-16. Review status: criteria provided, single submitter. Criteria: GeneDx Variant Classification (06012015). Collection method: clinical testing. Allele origin: germline. Affected: yes.
Comment: This variant is considered likely benign or benign based on one or more of the following criteria: it is a conservative change, it occurs at a poorly conserved position in the protein, it is predicted to be benign by multiple in silico algorithms, and/or has population frequency not consistent with disease.

Breakthrough Genomics
Classification: Benign. Review status: criteria provided, single submitter. Criteria: ACMG Guidelines, 2015. Collection method: not provided. Allele origin: germline. Inheritance: Autosomal recessive inheritance. Affected: yes.